The following is an entry in ClinVar:

NM_001256627.2(BRSK2):c.812+2dup

Gene: BRSK2 (BR serine/threonine kinase 2; plus strand). Cytogenetic location: 11p15.5.
Variant type: Duplication.
Coding change: c.812+2dup on transcript NM_001256627.2 (MANE Select); the canonical splice donor site of the intron after coding-DNA position 812, one base duplicated (T; older notation c.812+2dupT).
Molecular consequence: splice donor variant.
Genome position (GRCh38, 1-based): chr11:1,445,004, T duplicated. VCF-style (leftmost placement, unchanged base first): chr11-1445003-G-GT. GRCh37 (hg19) VCF-style: chr11-1466233-G-GT.
Other names: c.812+2dup (NM_001440665.1, NM_001440668.1, NM_001440670.1 and 3 more transcripts); c.632+2dup (NM_001440674.1, NM_001440671.1, NM_001440672.1 and 5 more transcripts); c.950+2dup (NM_001256630.1, NM_001440667.1).
Identifiers: ClinVar variation 4849559 (VCV004849559.1).

ClinVar aggregate classification (germline): Pathogenic (1 of 4 stars; one submission).

Conditions:
Autosomal dominant non-syndromic intellectual disability. Identifiers: Orphanet 178469, MedGen C5680502, MONDO:0015802.

Submission:

Department of Human Genetics, University Hospital Bern, Inselspital
Classification: Pathogenic for Autosomal dominant non-syndromic intellectual disability. Last evaluated: 2026-05-03. Review status: criteria provided, single submitter. Criteria: ACMG Guidelines, 2015. Collection method: clinical testing. Allele origin: de novo. Affected: yes.
Comment: The variant affects a canonical splice site most likely leading to the loss of a splice donor site and skipping of exon 9, subsequently resulting in a frameshift. The variant was shown to have occurred de novo and is also absent from gnomAD v4.1.0. In summary, criteria PVS1, PS2_supporting and PM2_Supporting were used.

Literature cited by the submitters: PubMed 42509346.